The following is an entry in ClinVar:

ClinVar aggregate classification (germline): Uncertain significance (1 of 4 stars; one submission).

Allele frequency attached by ClinVar (database versions not stated): TOPMed below 0.00001; gnomAD 0.00001; gnomAD exomes 0.00001 and 0.00006.
gnomAD v4.1: 81 of 1,576,696 alleles (0.0051%); highest among the groups gnomAD compares: Non-Finnish European, 0.0068%; no homozygotes.

Submission:

Labcorp Genetics (formerly Invitae), Labcorp
Classification: Uncertain significance. Last evaluated: 2022-08-02. Review status: criteria provided, single submitter. Criteria: Invitae Variant Classification Sherloc (09022015). Collection method: clinical testing. Allele origin: germline.
Comment: This sequence change replaces leucine, which is neutral and non-polar, with proline, which is neutral and non-polar, at codon 77 of the RETREG1 protein (p.Leu77Pro). The frequency data for this variant in the population databases is considered unreliable, as metrics indicate poor data quality at this position in the gnomAD database. This variant has not been reported in the literature in individuals affected with RETREG1-related conditions. ClinVar contains an entry for this variant (Variation ID: 847006). Algorithms developed to predict the effect of missense changes on protein structure and function are either unavailable or do not agree on the potential impact of this missense change (SIFT: "Deleterious"; PolyPhen-2: "Possibly Damaging"; Align-GVGD: "Class C0"). In summary, the available evidence is currently insufficient to determine the role of this variant in disease. Therefore, it has been classified as a Variant of Uncertain Significance.

NM_001034850.3(RETREG1):c.230T>C (p.Leu77Pro)

Genes: RETREG1 (reticulophagy regulator 1; minus strand), RETREG1-AS1 (RETREG1 antisense RNA 1; plus strand). Cytogenetic location: 5p15.1.
Variant type: single nucleotide variant.
Coding change: c.230T>C on transcript NM_001034850.3 (MANE Select); coding-DNA position 230, T replaced by C.
Protein change: p.Leu77Pro; replaces leucine 77 with proline.
Molecular consequence: missense variant.
Genome position (GRCh38, 1-based): chr5:16,616,742, A>G on the plus strand (T>C on the coding strand, the complement: RETREG1 is on the minus strand). VCF-style: chr5-16616742-A-G. GRCh37 (hg19) VCF-style: chr5-16616851-A-G.
Other names: short protein forms L77P.
Identifiers: ClinVar variation 847006 (VCV000847006.7), dbSNP rs1042864064, ClinGen allele CA114976541.